The following is an entry in ClinVar:

NM_000122.2(ERCC3):c.2270T>A (p.Val757Glu)

Gene: ERCC3 (ERCC excision repair 3, TFIIH core complex helicase subunit; minus strand). Cytogenetic location: 2q14.3.
Variant type: single nucleotide variant.
Coding change: c.2270T>A on transcript NM_000122.2 (MANE Select); coding-DNA position 2270, T replaced by A.
Protein change: p.Val757Glu; replaces valine 757 with glutamic acid.
Molecular consequence: missense variant.
Genome position (GRCh38, 1-based): chr2:127,257,675, A>T on the plus strand (T>A on the coding strand, the complement: ERCC3 is on the minus strand). VCF-style: chr2-127257675-A-T. GRCh37 (hg19) VCF-style: chr2-128015251-A-T.
Other names: c.2078T>A, p.Val693Glu (NM_001303416.2, NM_001303418.2); short protein forms V757E, V693E.
Identifiers: ClinVar variation 1511119 (VCV001511119.6), dbSNP rs1210108802, ClinGen allele CA348385373.

ClinVar aggregate classification (germline): Uncertain significance (1 of 4 stars; one submission).

Allele frequency attached by ClinVar (database versions not stated): TOPMed below 0.00001; gnomAD 0.00001.
gnomAD v4.1: 1 of 1,614,106 alleles (0.000062%); highest among the groups gnomAD compares: Non-Finnish European, 0.000085%; no homozygotes.

Submission:

Labcorp Genetics (formerly Invitae), Labcorp
Classification: Uncertain significance. Last evaluated: 2021-09-10. Review status: criteria provided, single submitter. Criteria: Invitae Variant Classification Sherloc (09022015). Collection method: clinical testing. Allele origin: germline.
Comment: This variant is not present in population databases (ExAC no frequency). In summary, the available evidence is currently insufficient to determine the role of this variant in disease. Therefore, it has been classified as a Variant of Uncertain Significance. Algorithms developed to predict the effect of missense changes on protein structure and function are either unavailable or do not agree on the potential impact of this missense change (SIFT: "Deleterious"; PolyPhen-2: "Benign"; Align-GVGD: "Class C0"). This variant has not been reported in the literature in individuals affected with ERCC3-related conditions. This sequence change replaces valine with glutamic acid at codon 757 of the ERCC3 protein (p.Val757Glu). The valine residue is moderately conserved and there is a moderate physicochemical difference between valine and glutamic acid.